The following is an entry in ClinVar:

NM_001379500.1(COL18A1):c.3036G>A (p.Pro1012=)

Genes: COL18A1 (collagen type XVIII alpha 1 chain; plus strand), SLC19A1 (solute carrier family 19 member 1; minus strand). Cytogenetic location: 21q22.3.
Variant type: single nucleotide variant.
Coding change: c.3036G>A on transcript NM_001379500.1 (MANE Select); coding-DNA position 3036, G replaced by A.
Protein change: p.Pro1012=; no amino-acid change (proline 1012 retained).
Molecular consequence: synonymous variant.
Genome position (GRCh38, 1-based): chr21:45,505,380, G>A. VCF-style: chr21-45505380-G-A. GRCh37 (hg19) VCF-style: chr21-46925294-G-A.
Other names: NM_130445.2:c.3027G>A; c.3567G>A, p.Pro1189= (NM_030582.4); c.4272G>A, p.Pro1424= (NM_130444.3); c.3567G>A (NM_030582.3).
Identifiers: ClinVar variation 447125 (VCV000447125.22), dbSNP rs370656151, ClinGen allele CA10067647.

ClinVar aggregate classification (germline): Benign/Likely benign. Review status: criteria provided, multiple submitters, no conflicts (2 of 4 stars). 6 submissions from 6 submitters: Benign (1); Likely benign (4). 1 of the submissions does not count toward it. Last evaluated 2026-04-01.

Conditions:
COL18A1-related disorder. Also called: COL18A1-related disorders; COL18A1-related condition.
Knobloch syndrome 1 (KNO1). Identifiers: MedGen C4551775, MONDO:0800167, OMIM 267750.
Hereditary glaucoma, primary closed-angle. Also called: Glaucoma, primary closed-angle. Identifiers: MedGen C5394374, MONDO:0030038, OMIM 618880.

Allele frequency attached by ClinVar (database versions not stated): 1000 Genomes Project 30x 0.00047; 1000 Genomes Project 0.00080; gnomAD exomes 0.00210 and 0.00323; gnomAD 0.00219 and 0.00231; TOPMed 0.00231; ExAC 0.00251; ESP Exome Variant Server 0.00308.
gnomAD v4.1: 4,971 of 1,585,962 alleles (0.31%); highest among the groups gnomAD compares: Non-Finnish European, 0.39%; 12 homozygotes.

Submissions (13):

CeGaT Center for Human Genetics Tuebingen
Classification: Likely benign. Last evaluated: 2026-04-01. Review status: criteria provided, single submitter. Criteria: CeGaT Center For Human Genetics Tuebingen Variant Classification Criteria Version 2. Collection method: clinical testing. Allele origin: germline. Affected: yes. Observed: 3 variant alleles.
Comment: COL18A1: BP4, BP7, BS2

Labcorp Genetics (formerly Invitae), Labcorp
Classification: Benign. Last evaluated: 2026-01-28. Review status: criteria provided, single submitter. Criteria: Invitae Variant Classification Sherloc (09022015). Collection method: clinical testing. Allele origin: germline.

Blueprint Genetics
Classification: Likely benign. Last evaluated: 2024-11-28. Review status: criteria provided, single submitter. Criteria: ACMG Guidelines, 2015. Collection method: clinical testing. Allele origin: germline.

Fulgent Genetics
Classification: Likely benign for Knobloch syndrome 1; Hereditary glaucoma, primary closed-angle. Last evaluated: 2022-03-31. Review status: criteria provided, single submitter. Criteria: ACMG Guidelines, 2015. Collection method: clinical testing. Allele origin: unknown.

Athena Diagnostics
Classification: Likely benign. Last evaluated: 2016-08-18. Review status: criteria provided, single submitter. Criteria: Athena Diagnostics Criteria. Collection method: clinical testing. Allele origin: germline.

PreventionGenetics, part of Exact Sciences
Classification: Benign for COL18A1-related condition. Last evaluated: 2020-07-05. Review status: no assertion criteria provided. Collection method: clinical testing. Allele origin: germline. Not counted in ClinVar's aggregate classification.
Comment: This variant is classified as benign based on ACMG/AMP sequence variant interpretation guidelines (Richards et al. 2015 PMID: 25741868, with internal and published modifications).

Dr. Peter K. Rogan Lab, Western University
No classification provided (evidence only). Condition: Familial cancer of breast. Review status: no classification provided. Collection method: in vitro. Allele origin: not applicable. Functional consequence: retained intron. Not counted in ClinVar's aggregate classification.

Dr. Peter K. Rogan Lab, Western University
No classification provided (evidence only). Condition: Thyroid cancer, nonmedullary, 1. Review status: no classification provided. Collection method: in vitro. Allele origin: not applicable. Functional consequence: retained intron. Not counted in ClinVar's aggregate classification.

Dr. Peter K. Rogan Lab, Western University
No classification provided (evidence only). Condition: Ovarian serous cystadenocarcinoma. Review status: no classification provided. Collection method: in vitro. Allele origin: not applicable. Functional consequence: retained intron. Not counted in ClinVar's aggregate classification.

Dr. Peter K. Rogan Lab, Western University
No classification provided (evidence only). Condition: Ovarian serous cystadenocarcinoma. Review status: no classification provided. Collection method: in vitro. Allele origin: not applicable. Functional consequence: retained intron. Not counted in ClinVar's aggregate classification.

Dr. Peter K. Rogan Lab, Western University
No classification provided (evidence only). Condition: Ovarian serous cystadenocarcinoma. Review status: no classification provided. Collection method: in vitro. Allele origin: not applicable. Functional consequence: retained intron. Not counted in ClinVar's aggregate classification.

Dr. Peter K. Rogan Lab, Western University
No classification provided (evidence only). Condition: Ovarian serous cystadenocarcinoma. Review status: no classification provided. Collection method: in vitro. Allele origin: not applicable. Functional consequence: retained intron. Not counted in ClinVar's aggregate classification.

Dr. Peter K. Rogan Lab, Western University
No classification provided (evidence only). Condition: Gastric cancer. Review status: no classification provided. Collection method: in vitro. Allele origin: not applicable. Functional consequence: retained intron. Not counted in ClinVar's aggregate classification.